The following is an entry in ClinVar:

ClinVar aggregate classification (germline): Pathogenic (1 of 4 stars; one submission).

Conditions:
Severe combined immunodeficiency due to DCLRE1C deficiency (RS-SCID). Also called: SCID, AUTOSOMAL RECESSIVE, T CELL-NEGATIVE, B CELL-NEGATIVE, NK CELL-POSITIVE, WITH SENSITIVITY TO IONIZING RADIATION. Identifiers: Orphanet 275, MedGen C1865371, MONDO:0011225, OMIM 602450.

Submission:

Labcorp Genetics (formerly Invitae), Labcorp
Classification: Pathogenic for Athabaskan severe combined immunodeficiency. Last evaluated: 2023-12-30. Review status: criteria provided, single submitter. Criteria: Invitae Variant Classification Sherloc (09022015). Collection method: clinical testing. Allele origin: germline.
Comment: This sequence change creates a premature translational stop signal (p.Asp501Valfs*41) in the DCLRE1C gene. While this is not anticipated to result in nonsense mediated decay, it is expected to disrupt the last 192 amino acid(s) of the DCLRE1C protein. This variant is not present in population databases (gnomAD no frequency). This variant has not been reported in the literature in individuals affected with DCLRE1C-related conditions. This variant disrupts a region of the DCLRE1C protein in which other variant(s) ( p.Thr557Asnfs*21) have been determined to be pathogenic (PMID: 26476407). This suggests that this is a clinically significant region of the protein, and that variants that disrupt it are likely to be disease-causing. For these reasons, this variant has been classified as Pathogenic.

Literature cited by the submitters: PubMed 26476407.

NM_001033855.3(DCLRE1C):c.1502_1508del (p.Asp501fs)

Gene: DCLRE1C (DNA cross-link repair 1C; minus strand). Cytogenetic location: 10p13.
Variant type: Deletion.
Coding change: c.1502_1508del on transcript NM_001033855.3 (MANE Select); coding-DNA positions 1502 to 1508, 7 bases deleted (ATGAGAG; older notation c.1502_1508delATGAGAG).
Protein change: p.Asp501fs; shifts the reading frame from aspartic acid 501.
Molecular consequence: frameshift variant. On other transcripts: non-coding transcript variant (4).
Genome position (GRCh38, 1-based): chr10:14,908,979-14,908,985, CTCTCAT deleted on the plus strand (ATGAGAG on the coding strand, the reverse complement: DCLRE1C is on the minus strand); deleting any 7 consecutive bases within chr10:14,908,979-14,908,987 gives the same sequence; the c. name uses the placement nearest the transcript's 3' end. VCF-style (leftmost placement, unchanged base first): chr10-14908978-ACTCTCAT-A. GRCh37 (hg19) VCF-style: chr10-14950977-ACTCTCAT-A.
Other names: c.1142_1148del, p.Asp381fs (NM_001350967.2, NM_001033857.3, NM_001033858.3 and 2 more transcripts); c.1157_1163del, p.Asp386fs (NM_022487.4, NM_001289076.2, NM_001289078.2 and 1 more transcripts); c.1502_1508del, p.Asp501fs (NM_001350965.2); short protein forms D381fs, D386fs, D501fs.
Identifiers: ClinVar variation 2792922 (VCV002792922.3), dbSNP rs2491630012, ClinGen allele CA2739265292.